The following is an entry in ClinVar:

NM_001040142.2(SCN2A):c.5783T>C (p.Val1928Ala)

Gene: SCN2A (sodium voltage-gated channel alpha subunit 2; plus strand). Cytogenetic location: 2q24.3.
Variant type: single nucleotide variant.
Coding change: c.5783T>C on transcript NM_001040142.2 (MANE Select); coding-DNA position 5783, T replaced by C.
Protein change: p.Val1928Ala; replaces valine 1928 with alanine.
Molecular consequence: missense variant.
Genome position (GRCh38, 1-based): chr2:165,389,589, T>C. VCF-style: chr2-165389589-T-C. GRCh37 (hg19) VCF-style: chr2-166246099-T-C.
Other names: c.5783T>C (NM_021007.2); c.5783T>C, p.Val1928Ala (NM_001040143.2, NM_001371246.1, NM_001371247.1 and 1 more transcripts); short protein forms V1928A.
Identifiers: ClinVar variation 2942149 (VCV002942149.4), dbSNP rs2468160528, ClinGen allele CA349040337.

ClinVar aggregate classification (germline): Uncertain significance. Review status: criteria provided, multiple submitters, no conflicts (2 of 4 stars). 2 submissions from 2 submitters: Uncertain significance (2). Last evaluated 2024-11-26.

Conditions:
Seizures, benign familial infantile, 3 (BFIS3). Also called: CONVULSIONS, BENIGN FAMILIAL INFANTILE, 3; Familial neonatal seizures. Identifiers: Orphanet 140927, Orphanet 306, MedGen C1843140, MONDO:0011904, OMIM 607745.
Developmental and epileptic encephalopathy, 11 (DEE11). Also called: Early infantile epileptic encephalopathy 11. Identifiers: Orphanet 1934, MedGen C3150987, MONDO:0013388, OMIM 613721.

Submissions (2):

GeneDx
Classification: Uncertain significance. Last evaluated: 2024-11-26. Review status: criteria provided, single submitter. Criteria: GeneDx Variant Classification Process June 2021. Collection method: clinical testing. Allele origin: germline. Affected: yes.
Comment: Not observed at significant frequency in large population cohorts (gnomAD); In silico analysis indicates that this missense variant does not alter protein structure/function; Has not been previously published as pathogenic or benign to our knowledge

Labcorp Genetics (formerly Invitae), Labcorp
Classification: Uncertain significance for Seizures, benign familial infantile, 3; Developmental and epileptic encephalopathy, 11. Last evaluated: 2023-07-07. Review status: criteria provided, single submitter. Criteria: Invitae Variant Classification Sherloc (09022015). Collection method: clinical testing. Allele origin: germline.
Comment: This sequence change replaces valine, which is neutral and non-polar, with alanine, which is neutral and non-polar, at codon 1928 of the SCN2A protein (p.Val1928Ala). This variant is not present in population databases (gnomAD no frequency). This variant has not been reported in the literature in individuals affected with SCN2A-related conditions. Advanced modeling of protein sequence and biophysical properties (such as structural, functional, and spatial information, amino acid conservation, physicochemical variation, residue mobility, and thermodynamic stability) performed at Invitae indicates that this missense variant is not expected to disrupt SCN2A protein function. In summary, the available evidence is currently insufficient to determine the role of this variant in disease. Therefore, it has been classified as a Variant of Uncertain Significance.